The following is an entry in ClinVar:

NM_013275.6(ANKRD11):c.6601_6602delinsTT (p.Ala2201Leu)

Gene: ANKRD11 (ankyrin repeat domain containing 11; minus strand). Cytogenetic location: 16q24.3.
Variant type: Indel.
Coding change: c.6601_6602delinsTT on transcript NM_013275.6 (MANE Select); coding-DNA positions 6601 to 6602, GC replaced by TT.
Protein change: p.Ala2201Leu; replaces alanine 2201 with leucine.
Molecular consequence: missense variant.
Genome position (GRCh38, 1-based): chr16:89,279,940-89,279,941, GC replaced by AA on the plus strand (GC replaced by TT on the coding strand, the reverse complement: ANKRD11 is on the minus strand). VCF-style: chr16-89279940-GC-AA. GRCh37 (hg19) VCF-style: chr16-89346348-GC-AA.
Other names: c.6601_6602delinsTT, p.Ala2201Leu (NM_001256182.2, NM_001256183.2); c.6601_6602delGCinsTT (NM_013275.5); short protein forms A2201L.
Identifiers: ClinVar variation 1187330 (VCV001187330.4), dbSNP rs2151735074, ClinGen allele CA2499223777.

ClinVar aggregate classification (germline): Uncertain significance (1 of 4 stars; one submission).

Submission:

GeneDx
Classification: Uncertain significance. Last evaluated: 2022-06-16. Review status: criteria provided, single submitter. Criteria: GeneDx Variant Classification Process June 2021. Collection method: clinical testing. Allele origin: germline. Affected: yes.
Comment: Not observed at significant frequency in large population cohorts (gnomAD); In silico analysis supports that this variant does not alter protein structure/function; Has not been previously published as pathogenic or benign to our knowledge